The following is an entry in ClinVar:

ClinVar aggregate classification (germline): Benign/Likely benign. Review status: criteria provided, multiple submitters, no conflicts (2 of 4 stars). 7 submissions from 7 submitters: Benign (2); Likely benign (4). 1 of the submissions does not count toward it. Last evaluated 2026-01-28.

Conditions:
Inborn genetic diseases. Identifiers: MedGen C0950123, MeSH D030342.
CHD8-related disorder. Also called: CHD8-related condition; CHD8-related disorders.

Allele frequency attached by ClinVar (database versions not stated): gnomAD exomes 0.00044; ExAC 0.00079; 1000 Genomes Project 30x 0.00141; 1000 Genomes Project 0.00160; gnomAD 0.00223 and 0.00245; TOPMed 0.00247; ESP Exome Variant Server 0.00263.
gnomAD v4.1: 615 of 1,537,272 alleles (0.04%); highest among the groups gnomAD compares: African/African-American, 0.79%; 1 homozygote.

Submissions (7):

Labcorp Genetics (formerly Invitae), Labcorp
Classification: Benign. Last evaluated: 2026-01-28. Review status: criteria provided, single submitter. Criteria: Invitae Variant Classification Sherloc (09022015). Collection method: clinical testing. Allele origin: germline.

CeGaT Center for Human Genetics Tuebingen
Classification: Likely benign. Last evaluated: 2025-12-01. Review status: criteria provided, single submitter. Criteria: CeGaT Center For Human Genetics Tuebingen Variant Classification Criteria Version 2. Collection method: clinical testing. Allele origin: germline. Affected: yes. Observed: 2 variant alleles.
Comment: CHD8: BS1

Ambry Genetics
Classification: Likely benign for Inborn genetic diseases. Last evaluated: 2022-06-28. Review status: criteria provided, single submitter. Criteria: Ambry Variant Classification Scheme 2023. Collection method: clinical testing. Allele origin: germline.

GeneDx
Classification: Benign. Last evaluated: 2019-08-23. Review status: criteria provided, single submitter. Criteria: GeneDx Variant Classification Process June 2021. Collection method: clinical testing. Allele origin: germline. Affected: yes.

Eurofins Ntd Llc (ga)
Classification: Likely benign. Last evaluated: 2016-01-14. Review status: criteria provided, single submitter. Criteria: EGL Classification Definitions 2015. Collection method: clinical testing. Allele origin: germline. Observed: 1 variant allele, 1 heterozygote.

Breakthrough Genomics
Classification: Likely benign. Review status: criteria provided, single submitter. Criteria: ACMG Guidelines, 2015. Collection method: not provided. Allele origin: germline. Inheritance: Autosomal dominant inheritance. Affected: yes.

PreventionGenetics, part of Exact Sciences
Classification: Benign for CHD8-related condition. Last evaluated: 2019-05-08. Review status: no assertion criteria provided. Collection method: clinical testing. Allele origin: germline. Not counted in ClinVar's aggregate classification.
Comment: This variant is classified as benign based on ACMG/AMP sequence variant interpretation guidelines (Richards et al. 2015 PMID: 25741868, with internal and published modifications).

NM_001170629.2(CHD8):c.262G>A (p.Glu88Lys)

Gene: CHD8 (chromodomain helicase DNA binding protein 8; minus strand). Cytogenetic location: 14q11.2.
Variant type: single nucleotide variant.
Coding change: c.262G>A on transcript NM_001170629.2 (MANE Select); coding-DNA position 262, G replaced by A.
Protein change: p.Glu88Lys; replaces glutamic acid 88 with lysine.
Molecular consequence: missense variant. On other transcripts: intron variant (1).
Genome position (GRCh38, 1-based): chr14:21,431,382, C>T on the plus strand (G>A on the coding strand, the complement: CHD8 is on the minus strand). VCF-style: chr14-21431382-C-T. GRCh37 (hg19) VCF-style: chr14-21899541-C-T.
Other names: c.6+429G>A (NM_020920.4); short protein forms E88K.
Identifiers: ClinVar variation 285494 (VCV000285494.81), dbSNP rs78640816, ClinGen allele CA7091976.
Genomic context (GRCh38, chr14:21,431,382, plus strand): 5'-GTTGGGCTGGCTGCTCCTGGCTGGCAGGCTGAGTGGTATAATCATGCAAGGTTATGGATT[C>T]TGGAGCTGGAGCTGTGGATTCTTTGGAAAGTTCTGTGGGAGCTGTTTCCTCTGGTGGAGG-3'
Protein context (NP_001164100.1, residues 78-98): LSKESTAPAP[Glu88Lys]SITLHDYTTQ